The following is an entry in ClinVar:

ClinVar aggregate classification (germline): Uncertain significance (1 of 4 stars; one submission).

gnomAD v4.1: 11 of 1,613,018 alleles (0.00068%); highest among the groups gnomAD compares: Middle Eastern, 0.017%; no homozygotes.

Submission:

GeneDx
Classification: Uncertain significance. Last evaluated: 2022-04-05. Review status: criteria provided, single submitter. Criteria: GeneDx Variant Classification Process June 2021. Collection method: clinical testing. Allele origin: germline. Affected: yes.
Comment: Not observed at significant frequency in large population cohorts (gnomAD); In silico analysis supports that this missense variant does not alter protein structure/function; Has not been previously published as pathogenic or benign to our knowledge

NM_001083961.2(WDR62):c.1393G>A (p.Val465Met)

Gene: WDR62 (WD repeat domain 62; plus strand). Cytogenetic location: 19q13.12.
Variant type: single nucleotide variant.
Coding change: c.1393G>A on transcript NM_001083961.2 (MANE Select); coding-DNA position 1393, G replaced by A.
Protein change: p.Val465Met; replaces valine 465 with methionine.
Molecular consequence: missense variant.
Genome position (GRCh38, 1-based): chr19:36,083,084, G>A. VCF-style: chr19-36083084-G-A. GRCh37 (hg19) VCF-style: chr19-36573986-G-A.
Other names: c.1378G>A, p.Val460Met (NM_001411145.1); c.1393G>A, p.Val465Met (NM_001411146.1, NM_173636.5); c.1042G>A, p.Val348Met (NM_001411147.1); short protein forms V348M, V460M, V465M.
Identifiers: ClinVar variation 1708614 (VCV001708614.2), dbSNP rs1300094741, ClinGen allele CA405436774.